The following is an entry in ClinVar:

NM_001277115.2(DNAH11):c.4316G>T (p.Arg1439Ile)

Gene: DNAH11 (dynein axonemal heavy chain 11; plus strand). Cytogenetic location: 7p15.3.
Variant type: single nucleotide variant.
Coding change: c.4316G>T on transcript NM_001277115.2 (MANE Select); coding-DNA position 4316, G replaced by T.
Protein change: p.Arg1439Ile; replaces arginine 1439 with isoleucine.
Molecular consequence: missense variant.
Genome position (GRCh38, 1-based): chr7:21,619,161, G>T. VCF-style: chr7-21619161-G-T. GRCh37 (hg19) VCF-style: chr7-21658779-G-T.
Other names: short protein forms R1439I.
Identifiers: ClinVar variation 1474125 (VCV001474125.8), dbSNP rs1785921849, ClinGen allele CA366952603.
Genomic context (GRCh38, chr7:21,619,161, plus strand): 5'-TCAAGTTTTTAATAAATGAAGCCACAACTTTGGCAGATTTGTTAGCACTGCGGTTACACA[G>T]AGTGGAAGATGATGTCCGAAGGATTGTGGACAAGGCGGTGAAAGAGCTGGGGACTGAGAA-3'
Protein context (NP_001264044.1, residues 1429-1449): LADLLALRLH[Arg1439Ile]VEDDVRRIVD

ClinVar aggregate classification (germline): Uncertain significance (1 of 4 stars; one submission).

Conditions:
Primary ciliary dyskinesia. Also called: Ciliary dyskinesia. Identifiers: Orphanet 244, MedGen C0008780, MONDO:0016575, HP:0012265.

Submission:

Labcorp Genetics (formerly Invitae), Labcorp
Classification: Uncertain significance for Primary ciliary dyskinesia. Last evaluated: 2021-07-22. Review status: criteria provided, single submitter. Criteria: Invitae Variant Classification Sherloc (09022015). Collection method: clinical testing. Allele origin: germline.
Comment: Advanced modeling of protein sequence and biophysical properties (such as structural, functional, and spatial information, amino acid conservation, physicochemical variation, residue mobility, and thermodynamic stability) performed at Invitae indicates that this missense variant is not expected to disrupt DNAH11 protein function. In summary, the available evidence is currently insufficient to determine the role of this variant in disease. Therefore, it has been classified as a Variant of Uncertain Significance. This variant has not been reported in the literature in individuals affected with DNAH11-related conditions. This variant is not present in population databases (ExAC no frequency). This sequence change replaces arginine with isoleucine at codon 1439 of the DNAH11 protein (p.Arg1439Ile). The arginine residue is weakly conserved and there is a moderate physicochemical difference between arginine and isoleucine.